The following is an entry in ClinVar:

ClinVar aggregate classification (germline): Uncertain significance. Review status: criteria provided, multiple submitters, no conflicts (2 of 4 stars). 3 submissions from 3 submitters: Uncertain significance (3). Last evaluated 2025-12-20.

Conditions:
Autosomal recessive Robinow syndrome (RRS1). Also called: ROBINOW SYNDROME, AUTOSOMAL RECESSIVE 1; ROR2-Related Robinow Syndrome; COSTOVERTEBRAL SEGMENTATION DEFECT WITH MESOMELIA; COVESDEM SYNDROME. Identifiers: Orphanet 1507, Orphanet 97360, MedGen C5399974, MONDO:0009999, OMIM 268310.
Brachydactyly type B1 (BDB1). Identifiers: Orphanet 572385, Orphanet 93383, MedGen C1862112, MONDO:0007220, OMIM 113000.
Inborn genetic diseases. Identifiers: MedGen C0950123, MeSH D030342.

Allele frequency attached by ClinVar (database versions not stated): gnomAD exomes 0.00001; gnomAD 0.00002; TOPMed 0.00006.
gnomAD v4.1: 12 of 1,613,692 alleles (0.00074%); highest among the groups gnomAD compares: African/African-American, 0.011%; no homozygotes.

Submissions (3):

Labcorp Genetics (formerly Invitae), Labcorp
Classification: Uncertain significance. Last evaluated: 2025-12-20. Review status: criteria provided, single submitter. Criteria: Invitae Variant Classification Sherloc (09022015). Collection method: clinical testing. Allele origin: germline.
Comment: This sequence change replaces glutamic acid, which is acidic and polar, with alanine, which is neutral and non-polar, at codon 916 of the ROR2 protein (p.Glu916Ala). This variant is present in population databases (no rsID available, gnomAD 0.007%). This variant has not been reported in the literature in individuals affected with ROR2-related conditions. ClinVar contains an entry for this variant (Variation ID: 2957649). Invitae Evidence Modeling of protein sequence and biophysical properties (such as structural, functional, and spatial information, amino acid conservation, physicochemical variation, residue mobility, and thermodynamic stability) indicates that this missense variant is not expected to disrupt ROR2 protein function with a negative predictive value of 95%. In summary, the available evidence is currently insufficient to determine the role of this variant in disease. Therefore, it has been classified as a Variant of Uncertain Significance.

Ambry Genetics
Classification: Uncertain significance for Inborn genetic diseases. Last evaluated: 2025-08-01. Review status: criteria provided, single submitter. Criteria: Ambry Variant Classification Scheme 2023. Collection method: clinical testing. Allele origin: germline.

Fulgent Genetics
Classification: Uncertain significance for Brachydactyly type B1; Autosomal recessive Robinow syndrome. Last evaluated: 2024-03-29. Review status: criteria provided, single submitter. Criteria: ACMG Guidelines, 2015. Collection method: clinical testing. Allele origin: germline.

NM_004560.4(ROR2):c.2747A>C (p.Glu916Ala)

Gene: ROR2 (receptor tyrosine kinase like orphan receptor 2; minus strand). Cytogenetic location: 9q22.31.
Variant type: single nucleotide variant.
Coding change: c.2747A>C on transcript NM_004560.4 (MANE Select); coding-DNA position 2747, A replaced by C.
Protein change: p.Glu916Ala; replaces glutamic acid 916 with alanine.
Molecular consequence: missense variant.
Genome position (GRCh38, 1-based): chr9:91,723,747, T>G on the plus strand (A>C on the coding strand, the complement: ROR2 is on the minus strand). VCF-style: chr9-91723747-T-G. GRCh37 (hg19) VCF-style: chr9-94486029-T-G.
Other names: c.2747A>C (NM_004560.3); short protein forms E916A.
Identifiers: ClinVar variation 2957649 (VCV002957649.5), dbSNP rs1057029126, ClinGen allele CA195321403.